The following is an entry in ClinVar:

NM_004360.5(CDH1):c.1243A>G (p.Ile415Val)

Gene: CDH1 (cadherin 1; plus strand). Cytogenetic location: 16q22.1.
Variant type: single nucleotide variant.
Coding change: c.1243A>G on transcript NM_004360.5 (MANE Select); coding-DNA position 1243, A replaced by G.
Protein change: p.Ile415Val; replaces isoleucine 415 with valine.
Molecular consequence: missense variant. On other transcripts: 5 prime UTR variant (2), intron variant (1).
Genome position (GRCh38, 1-based): chr16:68,813,418, A>G. VCF-style: chr16-68813418-A-G. GRCh37 (hg19) VCF-style: chr16-68847321-A-G.
Other names: c.-373A>G (NM_001317185.2); c.-577A>G (NM_001317186.2); c.1137+1155A>G (NM_001317184.2); c.1243A>G (LRG_301t1); short protein forms I415V.
Identifiers: ClinVar variation 406656 (VCV000406656.21), dbSNP rs1060501239, ClinGen allele CA16614967.

ClinVar aggregate classification (germline): Conflicting classifications of pathogenicity. Review status: criteria provided, conflicting classifications (1 of 4 stars). 4 submissions from 4 submitters: Uncertain significance (3); Likely benign (1). Last evaluated 2025-05-05.

Conditions:
Hereditary cancer-predisposing syndrome. Also called: Tumor predisposition; Neoplastic Syndromes, Hereditary; Hereditary Cancer Syndrome; Hereditary neoplastic syndrome. Identifiers: Orphanet 140162, MedGen C0027672, MeSH D009386, MONDO:0015356.
Hereditary diffuse gastric adenocarcinoma (HDGC). Also called: DIFFUSE GASTRIC AND LOBULAR BREAST CANCER SYNDROME. Identifiers: Orphanet 26106, MedGen C1708349, MONDO:0007648, OMIM 137215.

Allele frequency attached by ClinVar (database versions not stated): gnomAD 0.00001; gnomAD exomes 0.00001.
gnomAD v4.1: 16 of 1,614,016 alleles (0.00099%); highest among the groups gnomAD compares: East Asian, 0.022%; no homozygotes.

Submissions (4):

Labcorp Genetics (formerly Invitae), Labcorp
Classification: Uncertain significance for Hereditary diffuse gastric adenocarcinoma. Last evaluated: 2025-05-05. Review status: criteria provided, single submitter. Criteria: Invitae Variant Classification Sherloc (09022015). Collection method: clinical testing. Allele origin: germline.
Comment: This sequence change replaces isoleucine, which is neutral and non-polar, with valine, which is neutral and non-polar, at codon 415 of the CDH1 protein (p.Ile415Val). This variant is present in population databases (no rsID available, gnomAD 0.007%). This missense change has been observed in individual(s) with breast cancer (PMID: 30287823). ClinVar contains an entry for this variant (Variation ID: 406656). An algorithm developed to predict the effect of missense changes on protein structure and function outputs the following: PolyPhen-2: "Benign". The valine amino acid residue is found in multiple mammalian species, which suggests that this missense change does not adversely affect protein function. In summary, the available evidence is currently insufficient to determine the role of this variant in disease. Therefore, it has been classified as a Variant of Uncertain Significance.

GeneDx
Classification: Uncertain significance. Last evaluated: 2023-07-13. Review status: criteria provided, single submitter. Criteria: GeneDx Variant Classification Process June 2021. Collection method: clinical testing. Allele origin: germline. Affected: yes.
Comment: In silico analysis supports that this missense variant does not alter protein structure/function; Observed in individuals with breast cancer, but also in unaffected controls (Momozawa et al., 2018); This variant is associated with the following publications: (PMID: 15235021, 22850631, 30287823)

Color Diagnostics, LLC DBA Color Health
Classification: Uncertain significance for Hereditary cancer-predisposing syndrome. Last evaluated: 2022-07-25. Review status: criteria provided, single submitter. Criteria: ACMG Guidelines, 2015. Collection method: clinical testing. Allele origin: germline.
Comment: This missense variant replaces isoleucine with valine at codon 415 of the CDH1 protein. To our knowledge, functional studies have not been reported for this variant. This variant has not been reported in individuals affected with hereditary cancer in the literature. This variant has been identified in 1/31392 chromosomes in the general population by the Genome Aggregation Database (gnomAD). The available evidence is insufficient to determine the role of this variant in disease conclusively. Therefore, this variant is classified as a Variant of Uncertain Significance.

Ambry Genetics
Classification: Likely benign for Hereditary cancer-predisposing syndrome. Last evaluated: 2016-12-22. Review status: criteria provided, single submitter. Criteria: Ambry Variant Classification Scheme 2023. Collection method: clinical testing. Allele origin: germline.

Literature cited by the submitters: PubMed 30287823 (cited by Labcorp Genetics (formerly Invitae), Labcorp).